The following is an entry in ClinVar:

NM_033225.6(CSMD1):c.10170C>T (p.Ser3390=)

Genes: CSMD1 (CUB and Sushi multiple domains 1; minus strand), LOC105377785 (uncharacterized LOC105377785; plus strand). Cytogenetic location: 8p23.2.
Variant type: single nucleotide variant.
Coding change: c.10170C>T on transcript NM_033225.6 (MANE Select); coding-DNA position 10170, C replaced by T.
Protein change: p.Ser3390=; no amino-acid change (serine 3390 retained).
Molecular consequence: synonymous variant.
Genome position (GRCh38, 1-based): chr8:2,951,145, G>A on the plus strand (C>T on the coding strand, the complement: CSMD1 is on the minus strand). VCF-style: chr8-2951145-G-A. GRCh37 (hg19) VCF-style: chr8-2808667-G-A.
Identifiers: ClinVar variation 3042953 (VCV003042953.2), dbSNP rs375328479, ClinGen allele CA4604873.

ClinVar aggregate classification (germline): Likely benign (0 of 4 stars; one submission).

Conditions:
CSMD1-related disorder. Also called: CSMD1-related condition.

Allele frequency attached by ClinVar (database versions not stated): ExAC 0.00006; gnomAD 0.00010; ESP Exome Variant Server 0.00016; TOPMed 0.00025.
gnomAD v4.1: 233 of 1,613,308 alleles (0.014%); highest among the groups gnomAD compares: Non-Finnish European, 0.017%; no homozygotes.

Submission:

PreventionGenetics, part of Exact Sciences
Classification: Likely benign for CSMD1-related condition. Last evaluated: 2019-07-04. Review status: no assertion criteria provided. Collection method: clinical testing. Allele origin: germline.
Comment: This variant is classified as likely benign based on ACMG/AMP sequence variant interpretation guidelines (Richards et al. 2015 PMID: 25741868, with internal and published modifications).